The following is an entry in ClinVar:

NM_001330311.2(DVL1):c.433C>T (p.Arg145Trp)

Gene: DVL1 (dishevelled segment polarity protein 1; minus strand). Cytogenetic location: 1p36.33.
Variant type: single nucleotide variant.
Coding change: c.433C>T on transcript NM_001330311.2 (MANE Select); coding-DNA position 433, C replaced by T.
Protein change: p.Arg145Trp; replaces arginine 145 with tryptophan.
Molecular consequence: missense variant.
Genome position (GRCh38, 1-based): chr1:1,342,086, G>A on the plus strand (C>T on the coding strand, the complement: DVL1 is on the minus strand). VCF-style: chr1-1342086-G-A. GRCh37 (hg19) VCF-style: chr1-1277466-G-A.
Other names: c.433C>T, p.Arg145Trp (NM_004421.3); short protein forms R145W.
Identifiers: ClinVar variation 719587 (VCV000719587.13), dbSNP rs142925511, ClinGen allele CA520688.
Genomic context (GRCh38, chr1:1,342,086, plus strand): 5'-ACAGCTGGGCAGACATGACCACTGTACCCTCCTCGCGGTTCCGGCGTCGGGCACGCTCCC[G>A]CCGGTGACTGACCATGGACTCCGTGCCTGTCTCGTTGTCCATCCCGTCACGGCTGCTGGC-3'
Protein context (NP_001317240.1, residues 135-155): TGTESMVSHR[Arg145Trp]ERARRRNREE

ClinVar aggregate classification (germline): Conflicting classifications of pathogenicity. Review status: criteria provided, conflicting classifications (1 of 4 stars). 3 submissions from 3 submitters: Uncertain significance (2); Likely benign (1). Last evaluated 2025-02-27.

Conditions:
Inborn genetic diseases. Identifiers: MedGen C0950123, MeSH D030342.
Autosomal dominant Robinow syndrome 1. Also called: FETAL FACE SYNDROME; ROBINOW DWARFISM; Covesdem syndrome (formerly); Costovertebral segmentation defect with mesomelia (formerly); WNT5A-Related Robinow Syndrome, Autosomal Dominant; ACRAL DYSOSTOSIS WITH FACIAL AND GENITAL ABNORMALITIES. Identifiers: Orphanet 3107, Orphanet 97360, MedGen C4551475, MONDO:0024455, OMIM 180700.

Allele frequency attached by ClinVar (database versions not stated): gnomAD exomes 0.00004; TOPMed 0.00008; gnomAD 0.00009; ExAC 0.00010; ESP Exome Variant Server 0.00015.

Submissions (5):

Labcorp Genetics (formerly Invitae), Labcorp
Classification: Likely benign. Last evaluated: 2025-02-27. Review status: criteria provided, single submitter. Criteria: Invitae Variant Classification Sherloc (09022015). Collection method: clinical testing. Allele origin: germline.

Ambry Genetics
Classification: Uncertain significance for Inborn genetic diseases. Last evaluated: 2021-06-18. Review status: criteria provided, single submitter. Criteria: Ambry Variant Classification Scheme 2023. Collection method: clinical testing. Allele origin: germline.

Centre for Mendelian Genomics, University Medical Centre Ljubljana
Classification: Uncertain significance for Autosomal dominant Robinow syndrome 1. Last evaluated: 2019-06-26. Review status: criteria provided, single submitter. Criteria: ACMG Guidelines, 2015. Collection method: clinical testing. Allele origin: unknown. Affected: yes.
Comment: This variant was classified as: Uncertain significance. The available evidence on this variant's pathogenicity is insufficient or conflicting. The following ACMG criteria were applied in classifying this variant: PP3.

Dr. Peter K. Rogan Lab, Western University
No classification provided (evidence only). Condition: Ovarian serous cystadenocarcinoma. Review status: no classification provided. Collection method: in vitro. Allele origin: not applicable. Functional consequence: retained intron. Not counted in ClinVar's aggregate classification.

Dr. Peter K. Rogan Lab, Western University
No classification provided (evidence only). Condition: Familial pancreatic carcinoma. Review status: no classification provided. Collection method: in vitro. Allele origin: not applicable. Functional consequence: retained intron. Not counted in ClinVar's aggregate classification.